The following is an entry in ClinVar:

NM_019098.5(CNGB3):c.83AAG[1] (p.Glu29del)

Gene: CNGB3 (cyclic nucleotide gated channel subunit beta 3; minus strand). Cytogenetic location: 8q21.3.
Variant type: Microsatellite.
Coding change: c.83AAG[1] on transcript NM_019098.5 (MANE Select); one copy of the 3-base unit AAG starting at c.83; the reference has two copies in a row; one copy, 3 bases deleted.
Protein change: p.Glu29del; deletes glutamic acid 29.
Molecular consequence: inframe deletion.
Genome position (GRCh38, 1-based): chr8:86,743,540-86,743,542, CTT deleted on the plus strand (AAG on the coding strand, the reverse complement: CNGB3 is on the minus strand); deleting any 3 consecutive bases within chr8:86,743,540-86,743,546 gives the same sequence; the position shown is the placement nearest the transcript's 3' end. VCF-style (leftmost placement, unchanged base first): chr8-86743539-CCTT-C. GRCh37 (hg19) VCF-style: chr8-87755767-CCTT-C.
Other names: short protein forms E29del.
Identifiers: ClinVar variation 5004340 (VCV005004340.1).

ClinVar aggregate classification (germline): Uncertain significance (1 of 4 stars; one submission).

Conditions:
Achromatopsia 3 (ACHM3). Also called: ACHROMATOPSIA WITH MYOPIA; TOTAL COLORBLINDNESS WITH MYOPIA; ROD MONOCHROMACY 1; ROD MONOCHROMATISM 1; PINGELAPESE BLINDNESS. Identifiers: Orphanet 49382, MedGen C1849792, MONDO:0009875, OMIM 262300.

Submission:

Myriad Genetics, Inc.
Classification: Uncertain significance for Achromatopsia 3. Last evaluated: 2025-12-22. Review status: criteria provided, single submitter. Criteria: Myriad Autosomal Dominant, Autosomal Recessive and X-Linked Classification Criteria (2023). Collection method: clinical testing. Allele origin: unknown.
Comment: NM_019098.4(CNGB3):c.86_88delAAG(E29del) is an in-frame deletion classified as a variant of uncertain significance in the context of achromatopsia, CNGB3-related. E29del has not been observed in cases with relevant disease. Relevant functional assessments of this variant are not available in the literature. E29del has not been observed in referenced population frequency databases. In summary, there is insufficient evidence to classify NM_019098.4(CNGB3):c.86_88delAAG(E29del) as pathogenic or benign. Please note: this variant was assessed in the context of healthy population screening.